The following is an entry in ClinVar:

ClinVar aggregate classification (germline): Uncertain significance. Review status: criteria provided, multiple submitters, no conflicts (2 of 4 stars). 2 submissions from 2 submitters: Uncertain significance (2). Last evaluated 2026-03-01.

Conditions:
Danon disease. Also called: ANTOPOL DISEASE; PSEUDOGLYCOGENOSIS II; GSD IIb; LYSOSOMAL GLYCOGEN STORAGE DISEASE WITHOUT ACID MALTASE DEFICIENCY; Glycogen Storage Disease Type IIb. Identifiers: Orphanet 34587, MedGen C0878677, MONDO:0010281, OMIM 300257.

Submissions (2):

CeGaT Center for Human Genetics Tuebingen
Classification: Uncertain significance. Last evaluated: 2026-03-01. Review status: criteria provided, single submitter. Criteria: CeGaT Center For Human Genetics Tuebingen Variant Classification Criteria Version 2. Collection method: clinical testing. Allele origin: germline. Affected: yes. Observed: 1 variant allele.
Comment: LAMP2: PM2

Dasa
Classification: Uncertain significance for Danon disease. Last evaluated: 2025-12-08. Review status: criteria provided, single submitter. Criteria: DASA Assertion Criteria. Collection method: clinical testing. Allele origin: germline.
Comment: NM_001122606.1(LAMP2):c.1213C>T (p.Arg405Cys) is a missense variant that results in the substitution of arginine with cysteine. This variant is absent from population databases. The currently available literature and clinical evidence are not sufficient to establish a definitive association between this variant and the reported condition. Therefore, this variant is classified as a variant of uncertain significance.

NM_002294.3(LAMP2):c.*2816C>T

Gene: LAMP2 (lysosome associated membrane protein 2; minus strand). Cytogenetic location: Xq24.
Variant type: single nucleotide variant.
Coding change: c.*2816C>T on transcript NM_002294.3 (MANE Select); 2816 bases downstream of the stop codon, C replaced by T.
Molecular consequence: 3 prime UTR variant. On other transcripts: missense variant (1).
Genome position (GRCh38, 1-based): chrX:120,428,507, G>A on the plus strand (C>T on the coding strand, the complement: LAMP2 is on the minus strand). VCF-style: chrX-120428507-G-A. GRCh37 (hg19) VCF-style: chrX-119562362-G-A.
Other names: c.1213C>T, p.Arg405Cys (NM_001122606.1); short protein forms R405C.
Identifiers: ClinVar variation 4823588 (VCV004823588.6).